The following is an entry in ClinVar:

NM_004463.3(FGD1):c.973G>C (p.Ala325Pro)

Gene: FGD1 (FYVE, RhoGEF and PH domain containing 1; minus strand). Cytogenetic location: Xp11.22.
Variant type: single nucleotide variant.
Coding change: c.973G>C on transcript NM_004463.3 (MANE Select); coding-DNA position 973, G replaced by C.
Protein change: p.Ala325Pro; replaces alanine 325 with proline.
Molecular consequence: missense variant.
Genome position (GRCh38, 1-based): chrX:54,470,144, C>G on the plus strand (G>C on the coding strand, the complement: FGD1 is on the minus strand). VCF-style: chrX-54470144-C-G. GRCh37 (hg19) VCF-style: chrX-54496577-C-G.
Other names: short protein forms A325P.
Identifiers: ClinVar variation 1935985 (VCV001935985.5), dbSNP rs1922849603, ClinGen allele CA413247992.

ClinVar aggregate classification (germline): Uncertain significance (1 of 4 stars; one submission).

Allele frequency attached by ClinVar (database versions not stated): TOPMed 0.00001.
gnomAD v4.1: 1 of 1,208,579 alleles (0.000083%); no homozygotes.

Submission:

Labcorp Genetics (formerly Invitae), Labcorp
Classification: Uncertain significance. Last evaluated: 2022-08-23. Review status: criteria provided, single submitter. Criteria: Invitae Variant Classification Sherloc (09022015). Collection method: clinical testing. Allele origin: germline.
Comment: In summary, the available evidence is currently insufficient to determine the role of this variant in disease. Therefore, it has been classified as a Variant of Uncertain Significance. Advanced modeling of protein sequence and biophysical properties (such as structural, functional, and spatial information, amino acid conservation, physicochemical variation, residue mobility, and thermodynamic stability) performed at Invitae indicates that this missense variant is expected to disrupt FGD1 protein function. This variant has not been reported in the literature in individuals affected with FGD1-related conditions. This variant is not present in population databases (gnomAD no frequency). This sequence change replaces alanine, which is neutral and non-polar, with proline, which is neutral and non-polar, at codon 325 of the FGD1 protein (p.Ala325Pro).